The following is an entry in ClinVar:

NM_016247.4(IMPG2):c.1759C>A (p.Pro587Thr)

Gene: IMPG2 (interphotoreceptor matrix proteoglycan 2; minus strand). Cytogenetic location: 3q12.3.
Variant type: single nucleotide variant.
Coding change: c.1759C>A on transcript NM_016247.4 (MANE Select); coding-DNA position 1759, C replaced by A.
Protein change: p.Pro587Thr; replaces proline 587 with threonine.
Molecular consequence: missense variant.
Genome position (GRCh38, 1-based): chr3:101,244,572, G>T on the plus strand (C>A on the coding strand, the complement: IMPG2 is on the minus strand). VCF-style: chr3-101244572-G-T. GRCh37 (hg19) VCF-style: chr3-100963416-G-T.
Other names: short protein forms P587T.
Identifiers: ClinVar variation 1004666 (VCV001004666.8), dbSNP rs1706453909, ClinGen allele CA353860176.

ClinVar aggregate classification (germline): Uncertain significance (1 of 4 stars; one submission).

Submission:

Labcorp Genetics (formerly Invitae), Labcorp
Classification: Uncertain significance. Last evaluated: 2022-05-27. Review status: criteria provided, single submitter. Criteria: Invitae Variant Classification Sherloc (09022015). Collection method: clinical testing. Allele origin: germline.
Comment: Algorithms developed to predict the effect of missense changes on protein structure and function (SIFT, PolyPhen-2, Align-GVGD) all suggest that this variant is likely to be disruptive. In summary, the available evidence is currently insufficient to determine the role of this variant in disease. Therefore, it has been classified as a Variant of Uncertain Significance. ClinVar contains an entry for this variant (Variation ID: 1004666). This variant has not been reported in the literature in individuals affected with IMPG2-related conditions. This variant is not present in population databases (gnomAD no frequency). This sequence change replaces proline, which is neutral and non-polar, with threonine, which is neutral and polar, at codon 587 of the IMPG2 protein (p.Pro587Thr).